The following is an entry in ClinVar:

NM_020458.4(TTC7A):c.3G>A (p.Met1Ile)

Genes: MCFD2 (multiple coagulation factor deficiency 2, ER cargo receptor complex subunit; minus strand), TTC7A (tetratricopeptide repeat domain 7A; plus strand). Cytogenetic location: 2p21.
Variant type: single nucleotide variant.
Coding change: c.3G>A on transcript NM_020458.4 (MANE Select); coding-DNA position 3, G replaced by A.
Protein change: p.Met1Ile; changes the start codon (methionine 1).
Molecular consequence: missense variant, initiator codon variant. On other transcripts: 5 prime UTR variant (1), intron variant (3).
Genome position (GRCh38, 1-based): chr2:46,941,544, G>A. VCF-style: chr2-46941544-G-A. GRCh37 (hg19) VCF-style: chr2-47168683-G-A.
Other names: c.3G>A, p.Met1Ile (NM_001288951.2); c.-902G>A (NM_001288955.2); c.-7+28C>T (NM_001171508.2); c.92+28C>T (NM_001171511.3); c.83-8819G>A (NM_001288953.2); short protein forms M1I.
Identifiers: ClinVar variation 4717305 (VCV004717305.1).

ClinVar aggregate classification (germline): Uncertain significance (1 of 4 stars; one submission).

Conditions:
Multiple gastrointestinal atresias. Also called: FAMILIAL INTESTINAL POLYATRESIA SYNDROME; Multiple intestinal atresia. Identifiers: Orphanet 2300, MedGen C0220744, MONDO:0009465.

Submission:

Labcorp Genetics (formerly Invitae), Labcorp
Classification: Uncertain significance for Multiple gastrointestinal atresias. Last evaluated: 2025-04-11. Review status: criteria provided, single submitter. Criteria: Invitae Variant Classification Sherloc (09022015). Collection method: clinical testing. Allele origin: germline.
Comment: This sequence change affects the initiator methionine of the TTC7A mRNA. The next in-frame methionine is located at codon 29. This variant is present in population databases (no rsID available, gnomAD 0.007%). This variant has not been reported in the literature in individuals affected with TTC7A-related conditions. Experimental studies and prediction algorithms are not available or were not evaluated, and the functional significance of this variant is currently unknown. In summary, the available evidence is currently insufficient to determine the role of this variant in disease. Therefore, it has been classified as a Variant of Uncertain Significance.